The following is an entry in ClinVar:

NM_001267550.2(TTN):c.49533-2A>G

Genes: TTN (titin; minus strand), TTN-AS1 (TTN antisense RNA 1; plus strand). Cytogenetic location: 2q31.2.
Variant type: single nucleotide variant.
Coding change: c.49533-2A>G on transcript NM_001267550.2 (MANE Select); the canonical splice acceptor site of the intron before coding-DNA position 49533, A replaced by G.
Molecular consequence: splice acceptor variant.
Genome position (GRCh38, 1-based): chr2:178,613,278, T>C on the plus strand (A>G on the coding strand, the complement: TTN is on the minus strand). VCF-style: chr2-178613278-T-C. GRCh37 (hg19) VCF-style: chr2-179478005-T-C.
Other names: c.22338-2A>G (NM_003319.4); c.22914-2A>G (NM_133437.4); c.22713-2A>G (NM_133432.3); c.41829-2A>G (NM_133378.4); c.44610-2A>G (NM_001256850.1).
Identifiers: ClinVar variation 2952300 (VCV002952300.3), dbSNP rs2470583825, ClinGen allele CA349602507.
Genomic context (GRCh38, chr2:178,613,278, plus strand): 5'-CAAGATTTTCAGCCAACACACGGAATCTGTATTTTTTCTTATTAGTGAGACCTTTCACTC[T>C]GAATTAGGAACAAAGTGCATGTGTATCATCATGGTAAGAAGCAGAAGAAGCCTATGTTTA-3'

ClinVar aggregate classification (germline): Likely pathogenic (1 of 4 stars; one submission).

Conditions:
Dilated cardiomyopathy 1G (CMD1G). Identifiers: Orphanet 154, MedGen C1858763, MONDO:0011400, OMIM 604145.
Autosomal recessive limb-girdle muscular dystrophy type 2J (LGMDR10). Also called: Limb-girdle muscular dystrophy, type 2J; MUSCULAR DYSTROPHY, LIMB-GIRDLE, AUTOSOMAL RECESSIVE 10. Identifiers: Orphanet 140922, MedGen C1837342, MONDO:0012127, OMIM 608807.

Allele frequency attached by ClinVar (database versions not stated): gnomAD exomes below 0.00001.
gnomAD v4.1: 1 of 1,602,940 alleles (0.000062%); highest among the groups gnomAD compares: Non-Finnish European, 0.000085%; no homozygotes.

Submission:

Labcorp Genetics (formerly Invitae), Labcorp
Classification: Likely pathogenic for Dilated cardiomyopathy 1G; Autosomal recessive limb-girdle muscular dystrophy type 2J. Last evaluated: 2023-09-26. Review status: criteria provided, single submitter. Criteria: Invitae Variant Classification Sherloc (09022015). Collection method: clinical testing. Allele origin: germline.
Comment: This variant is not present in population databases (gnomAD no frequency). This variant has not been reported in the literature in individuals affected with TTN-related conditions. Algorithms developed to predict the effect of sequence changes on RNA splicing suggest that this variant may disrupt the consensus splice site. In summary, the currently available evidence indicates that the variant is pathogenic, but additional data are needed to prove that conclusively. Therefore, this variant has been classified as Likely Pathogenic. This sequence change affects an acceptor splice site in intron 263 of the TTN gene. It is expected to disrupt RNA splicing and likely results in a truncated or disrupted TTN protein. This variant is located in the A band of TTN (PMID: 25589632). Truncating variants in this region are significantly overrepresented in patients affected with dilated cardiomyopathy (PMID: 25589632). Truncating variants in this region have also been reported in individuals affected with autosomal recessive centronuclear myopathy (PMID: 23975875).

Literature cited by the submitters: PubMed 25589632; PubMed 23975875.